The following is an entry in ClinVar:

NM_006904.7(PRKDC):c.4352T>C (p.Val1451Ala)

Gene: PRKDC (protein kinase, DNA-activated, catalytic subunit; minus strand). Cytogenetic location: 8q11.21.
Variant type: single nucleotide variant.
Coding change: c.4352T>C on transcript NM_006904.7 (MANE Select); coding-DNA position 4352, T replaced by C.
Protein change: p.Val1451Ala; replaces valine 1451 with alanine.
Molecular consequence: missense variant.
Genome position (GRCh38, 1-based): chr8:47,888,579, A>G on the plus strand (T>C on the coding strand, the complement: PRKDC is on the minus strand). VCF-style: chr8-47888579-A-G. GRCh37 (hg19) VCF-style: chr8-48801140-A-G.
Other names: c.4352T>C, p.Val1451Ala (NM_001081640.2); short protein forms V1451A.
Identifiers: ClinVar variation 3225858 (VCV003225858.1), dbSNP rs2551873572, ClinGen allele CA371145667.
Genomic context (GRCh38, chr8:47,888,579, plus strand): 5'-TGAGACGGTAATATATTATGCAGAAGCCCAGCTCTGTGAAGCTGTTTACAGGCAGACACA[A>G]CAGCAGCCAGCCTGCTCCTGTCCACTTGCGCGTCAGGGCCATACAAGTTGACGGCACAAA-3'
Protein context (NP_008835.5, residues 1441-1461): AQVDRSRLAA[Val1451Ala]VSACKQLHRA

ClinVar aggregate classification (germline): Uncertain significance (1 of 4 stars; one submission).

Submission:

Ambry Genetics
Classification: Uncertain significance. Last evaluated: 2024-02-22. Review status: criteria provided, single submitter. Criteria: Ambry Variant Classification Scheme 2023. Collection method: clinical testing. Allele origin: germline.
Comment: The p.V1451A variant (also known as c.4352T>C), located in coding exon 34 of the PRKDC gene, results from a T to C substitution at nucleotide position 4352. The valine at codon 1451 is replaced by alanine, an amino acid with similar properties. This amino acid position is conserved. Based on the available evidence, the clinical significance of this alteration remains unclear.